The following is an entry in ClinVar:

ClinVar aggregate classification (germline): Uncertain significance (1 of 4 stars; one submission).

Conditions:
TSR2-related disorder. Also called: TSR2-related condition.

gnomAD v4.1: 21 of 1,208,681 alleles (0.0017%); highest among the groups gnomAD compares: Admixed American, 0.0044%; no homozygotes.

Submission:

PreventionGenetics, part of Exact Sciences
Classification: Uncertain significance for TSR2-related condition. Last evaluated: 2022-10-05. Review status: criteria provided, single submitter. Criteria: ACMG Guidelines, 2015. Collection method: clinical testing. Allele origin: germline.
Comment: The TSR2 c.505C>G variant is predicted to result in the amino acid substitution p.Pro169Ala. To our knowledge, this variant has not been reported in the literature. This variant is reported in 0.0072% of alleles in individuals of Latino descent in gnomAD. At this time, the clinical significance of this variant is uncertain due to the absence of conclusive functional and genetic evidence.

NM_058163.3(TSR2):c.505C>G (p.Pro169Ala)

Gene: TSR2 (TSR2 ribosome maturation factor; plus strand). Cytogenetic location: Xp11.22.
Variant type: single nucleotide variant.
Coding change: c.505C>G on transcript NM_058163.3 (MANE Select); coding-DNA position 505, C replaced by G.
Protein change: p.Pro169Ala; replaces proline 169 with alanine.
Molecular consequence: missense variant.
Genome position (GRCh38, 1-based): chrX:54,444,479, C>G. VCF-style: chrX-54444479-C-G. GRCh37 (hg19) VCF-style: chrX-54470912-C-G.
Other names: c.496C>G, p.Pro166Ala (NM_001346789.2); c.220C>G, p.Pro74Ala (NM_001346790.2, NM_001346791.2, NM_001346792.2); short protein forms P166A, P169A, P74A.
Identifiers: ClinVar variation 2636867 (VCV002636867.1), dbSNP rs749636767, ClinGen allele CA10424857.